The following is an entry in ClinVar:

ClinVar aggregate classification (germline): Uncertain significance (1 of 4 stars; one submission).

Conditions:
Early-infantile DEE. Also called: Early infantile epileptic encephalopathy with suppression bursts; Early infantile epileptic encephalopathy; Ohtahara syndrome. Identifiers: Orphanet 1934, MedGen C0393706, MONDO:0800491.

Submission:

Labcorp Genetics (formerly Invitae), Labcorp
Classification: Uncertain significance for Early-infantile DEE. Last evaluated: 2024-06-13. Review status: criteria provided, single submitter. Criteria: Invitae Variant Classification Sherloc (09022015). Collection method: clinical testing. Allele origin: germline.
Comment: This sequence change replaces isoleucine, which is neutral and non-polar, with threonine, which is neutral and polar, at codon 686 of the KCNQ2 protein (p.Ile686Thr). This variant is not present in population databases (gnomAD no frequency). This variant has not been reported in the literature in individuals affected with KCNQ2-related conditions. An algorithm developed to predict the effect of missense changes on protein structure and function (PolyPhen-2) suggests that this variant is likely to be tolerated. In summary, the available evidence is currently insufficient to determine the role of this variant in disease. Therefore, it has been classified as a Variant of Uncertain Significance.

NM_172107.4(KCNQ2):c.2057T>C (p.Ile686Thr)

Gene: KCNQ2 (potassium voltage-gated channel subfamily Q member 2; minus strand). Cytogenetic location: 20q13.33.
Variant type: single nucleotide variant.
Coding change: c.2057T>C on transcript NM_172107.4 (MANE Select); coding-DNA position 2057, T replaced by C.
Protein change: p.Ile686Thr; replaces isoleucine 686 with threonine.
Molecular consequence: missense variant.
Genome position (GRCh38, 1-based): chr20:63,407,206, A>G on the plus strand (T>C on the coding strand, the complement: KCNQ2 is on the minus strand). VCF-style: chr20-63407206-A-G. GRCh37 (hg19) VCF-style: chr20-62038559-A-G.
Other names: c.2111T>C, p.Ile704Thr (NM_001382235.1); c.1973T>C, p.Ile658Thr (NM_004518.6); c.2003T>C, p.Ile668Thr (NM_172106.3); c.1964T>C, p.Ile655Thr (NM_172108.5); short protein forms I655T, I704T, I658T, I668T, I686T.
Identifiers: ClinVar variation 3703807 (VCV003703807.2).
Genomic context (GRCh38, chr20:63,407,206, plus strand): 5'-GCCGGGGGCGCCGAGAAGTTCTTCTGGCCCGTGGAGCTGCTGGAGCGCACGATCTTGACA[A>G]TGCAGCCGTGCCTGTCGACATGCTCCCGGCTGTCTTCCGGGCTGTGGTACGGCGGCGCCG-3'
Protein context (NP_742105.1, residues 676-696): SREHVDRHGC[Ile686Thr]VKIVRSSSST